The following is an entry in ClinVar:

ClinVar aggregate classification (germline): Likely pathogenic (1 of 4 stars; one submission).

Conditions:
Sudden unexplained death in childhood. Identifiers: MedGen C3827273, MONDO:1010117.

Submission:

Robert's Program, Boston Children's Hospital
Classification: Likely pathogenic for Sudden unexplained death in childhood. Last evaluated: 2021-10-01. Review status: criteria provided, single submitter. Criteria: ACMG Guidelines, 2015. Collection method: research. Allele origin: germline. Affected: yes.
Comment: We classify this variant as pathogenic using the following ACMG/AMP criteria: PS2, PM2

NM_001165963.4(SCN1A):c.182T>C (p.Leu61Pro)

Gene: SCN1A (sodium voltage-gated channel alpha subunit 1; minus strand). Cytogenetic location: 2q24.3.
Variant type: single nucleotide variant.
Coding change: c.182T>C on transcript NM_001165963.4 (MANE Select); coding-DNA position 182, T replaced by C.
Protein change: p.Leu61Pro; replaces leucine 61 with proline.
Molecular consequence: missense variant. On other transcripts: 5 prime UTR variant (1), non-coding transcript variant (1).
Genome position (GRCh38, 1-based): chr2:166,073,440, A>G on the plus strand (T>C on the coding strand, the complement: SCN1A is on the minus strand). VCF-style: chr2-166073440-A-G. GRCh37 (hg19) VCF-style: chr2-166929950-A-G.
Other names: c.182T>C, p.Leu61Pro (NM_001165964.3, NM_001202435.3, NM_001353948.2 and 10 more transcripts); c.-2244T>C (NM_001353961.2); c.182T>C (NM_001165963.3); short protein forms L61P.
Identifiers: ClinVar variation 1327140 (VCV001327140.2), dbSNP rs1553560766, ClinGen allele CA317800.